The following is an entry in ClinVar:

ClinVar aggregate classification (germline): Conflicting classifications of pathogenicity. Review status: criteria provided, conflicting classifications (1 of 4 stars). 4 submissions from 4 submitters: Uncertain significance (3); Likely benign (1). Last evaluated 2025-10-19.

Conditions:
Primary ciliary dyskinesia 23 (CILD23). Also called: CILIARY DYSKINESIA, PRIMARY, 23, WITH OR WITHOUT SITUS INVERSUS. Identifiers: Orphanet 244, MedGen C3809548, MONDO:0014193, OMIM 615451.
Primary ciliary dyskinesia. Also called: Ciliary dyskinesia. Identifiers: Orphanet 244, MedGen C0008780, MONDO:0016575, HP:0012265.

Allele frequency attached by ClinVar (database versions not stated): gnomAD exomes 0.00005 and 0.00016; ExAC 0.00017; ESP Exome Variant Server 0.00038; 1000 Genomes Project 0.00040; gnomAD 0.00046 and 0.00053; 1000 Genomes Project 30x 0.00047; TOPMed 0.00054.
gnomAD v4.1: 146 of 1,614,064 alleles (0.009%); highest among the groups gnomAD compares: African/African-American, 0.17%; no homozygotes.

Submissions (4):

Mayo Clinic Laboratories, Mayo Clinic
Classification: Uncertain significance. Last evaluated: 2025-10-19. Review status: criteria provided, single submitter. Criteria: ACMG Guidelines, 2015. Collection method: clinical testing. Allele origin: germline. Observed: 1 variant allele.
Comment: PP3

Blueprint Genetics
Classification: Uncertain significance. Last evaluated: 2024-10-16. Review status: criteria provided, single submitter. Criteria: ACMG Guidelines, 2015. Collection method: clinical testing. Allele origin: germline.

Labcorp Genetics (formerly Invitae), Labcorp
Classification: Uncertain significance for Primary ciliary dyskinesia 23. Last evaluated: 2022-08-31. Review status: criteria provided, single submitter. Criteria: Invitae Variant Classification Sherloc (09022015). Collection method: clinical testing. Allele origin: germline.
Comment: This sequence change replaces tryptophan, which is neutral and slightly polar, with arginine, which is basic and polar, at codon 740 of the ARMC4 protein (p.Trp740Arg). This variant is present in population databases (rs148764188, gnomAD 0.2%). This variant has not been reported in the literature in individuals affected with ARMC4-related conditions. ClinVar contains an entry for this variant (Variation ID: 474580). Algorithms developed to predict the effect of missense changes on protein structure and function are either unavailable or do not agree on the potential impact of this missense change (SIFT: "Deleterious"; PolyPhen-2: "Probably Damaging"; Align-GVGD: "Class C0"). In summary, the available evidence is currently insufficient to determine the role of this variant in disease. Therefore, it has been classified as a Variant of Uncertain Significance.

Ambry Genetics
Classification: Likely benign for Primary ciliary dyskinesia. Last evaluated: 2021-10-29. Review status: criteria provided, single submitter. Criteria: Ambry Variant Classification Scheme 2023. Collection method: clinical testing. Allele origin: germline.

NM_018076.5(ODAD2):c.2218T>C (p.Trp740Arg)

Gene: ODAD2 (outer dynein arm docking complex subunit 2; minus strand). Cytogenetic location: 10p12.1.
Variant type: single nucleotide variant.
Coding change: c.2218T>C on transcript NM_018076.5 (MANE Select); coding-DNA position 2218, T replaced by C.
Protein change: p.Trp740Arg; replaces tryptophan 740 with arginine.
Molecular consequence: missense variant.
Genome position (GRCh38, 1-based): chr10:27,936,760, A>G on the plus strand (T>C on the coding strand, the complement: ODAD2 is on the minus strand). VCF-style: chr10-27936760-A-G. GRCh37 (hg19) VCF-style: chr10-28225689-A-G.
Other names: p.Trp740Arg; c.2218T>C, p.Trp740Arg (NM_001290020.2); c.793T>C, p.Trp265Arg (NM_001290021.2); c.1294T>C, p.Trp432Arg (NM_001312689.2); short protein forms W740R, W265R, W432R.
Identifiers: ClinVar variation 474580 (VCV000474580.7), dbSNP rs148764188, ClinGen allele CA5453276.